The following is an entry in ClinVar:

ClinVar aggregate classification (germline): Uncertain significance (1 of 4 stars; one submission).

Conditions:
Cystic fibrosis (CF). Also called: MUCOVISCIDOSIS. Identifiers: Orphanet 586, MedGen C0010674, MONDO:0009061, OMIM 219700. Disease mechanism: loss of function.

Submission:

Ambry Genetics
Classification: Uncertain significance for Cystic fibrosis. Last evaluated: 2021-01-05. Review status: criteria provided, single submitter. Criteria: Ambry Variant Classification Scheme 2023. Collection method: clinical testing. Allele origin: germline.
Comment: The p.A554G variant (also known as c.1661C>G), located in coding exon 12 of the CFTR gene, results from a C to G substitution at nucleotide position 1661. The alanine at codon 554 is replaced by glycine, an amino acid with similar properties. This amino acid position is highly conserved in available vertebrate species. In addition, this alteration is predicted to be deleterious by in silico analysis. Since supporting evidence is limited at this time, the clinical significance of this alteration remains unclear.

NM_000492.4(CFTR):c.1661C>G (p.Ala554Gly)

Genes: CFTR (CF transmembrane conductance regulator; plus strand), LOC111674475 (CFTR intron 11 enhancer; plus strand). Cytogenetic location: 7q31.2.
Variant type: single nucleotide variant.
Coding change: c.1661C>G on transcript NM_000492.4 (MANE Select); coding-DNA position 1661, C replaced by G.
Protein change: p.Ala554Gly; replaces alanine 554 with glycine.
Molecular consequence: missense variant.
Genome position (GRCh38, 1-based): chr7:117,587,815, C>G. VCF-style: chr7-117587815-C-G. GRCh37 (hg19) VCF-style: chr7-117227869-C-G.
Other names: short protein forms A554G.
Identifiers: ClinVar variation 1777490 (VCV001777490.2), dbSNP rs121909022, ClinGen allele CA368976145.